The following is an entry in ClinVar:

NM_016284.5(CNOT1):c.-175+7C>T

Gene: CNOT1 (CCR4-NOT transcription complex subunit 1; minus strand). Cytogenetic location: 16q21.
Variant type: single nucleotide variant.
Coding change: c.-175+7C>T on transcript NM_016284.5 (MANE Select); 7 bases into the intron after 175 bases upstream of the start codon, C replaced by T.
Molecular consequence: intron variant.
Genome position (GRCh38, 1-based): chr16:58,629,721, G>A on the plus strand (C>T on the coding strand, the complement: CNOT1 is on the minus strand). VCF-style: chr16-58629721-G-A. GRCh37 (hg19) VCF-style: chr16-58663625-G-A.
Other names: c.-175+7C>T (NM_001265612.2, NM_206999.3).
Identifiers: ClinVar variation 4854857 (VCV004854857.1).
Genomic context (GRCh38, chr16:58,629,721, plus strand): 5'-ACCGGCTCTCGCGTTCCCAAGCTGACACCGCCACCCTACCCTAGCCCCTGACGCCAACCC[G>A]CCTCACCTCAGGCGGCTCCGGCAGCGCTGGACACAGGAAACTCCTGGGTCCCCGACTCCG-3'

ClinVar aggregate classification (germline): Uncertain significance (1 of 4 stars; one submission).

Conditions:
Vissers-Bodmer syndrome. Identifiers: MedGen C5436647, MONDO:0033618, OMIM 619033.

Submission:

3billion
Classification: Uncertain significance for Vissers-Bodmer syndrome. Last evaluated: 2025-10-07. Review status: criteria provided, single submitter. Criteria: ACMG Guidelines, 2015. Collection method: clinical testing. Allele origin: germline. Affected: yes.
Comment: The variant is not observed in the gnomAD v4.1.0 dataset. Predicted Consequence/Location: Intron variant In silico tools predict the variant to alter splicing and produce an abnormal transcript [SpliceAI: 0.90 (>=0.2, moderate evidence for spliceogenicity)]. Therefore, this variant is classified as VUS according to the recommendation of ACMG/AMP guideline.